The following is an entry in ClinVar:

NM_001134363.3(RBM20):c.3565A>G (p.Asn1189Asp)

Gene: RBM20 (RNA binding motif protein 20; plus strand). Cytogenetic location: 10q25.2.
Variant type: single nucleotide variant.
Coding change: c.3565A>G on transcript NM_001134363.3 (MANE Select); coding-DNA position 3565, A replaced by G.
Protein change: p.Asn1189Asp; replaces asparagine 1189 with aspartic acid.
Molecular consequence: missense variant.
Genome position (GRCh38, 1-based): chr10:110,831,174, A>G. VCF-style: chr10-110831174-A-G. GRCh37 (hg19) VCF-style: chr10-112590932-A-G.
Other names: p.Asn1189Asp; short protein forms N1189D.
Identifiers: ClinVar variation 2915020 (VCV002915020.4), dbSNP rs2493515177, ClinGen allele CA378386780.
Genomic context (GRCh38, chr10:110,831,174, plus strand): 5'-TTCTACACGAGCGAGGAGACAGCAAAGATGAGCCACTGCCGCAGCGCTGTCCACTACAGG[A>G]ACTTACAGGTAAAAATCCACTCTCCTTGCCCAGCATGCCAGGGGCTCCCCAGTCTCCATA-3'
Protein context (NP_001127835.2, residues 1179-1199): SHCRSAVHYR[Asn1189Asp]LQKYLSQLAE

ClinVar aggregate classification (germline): Uncertain significance. Review status: criteria provided, multiple submitters, no conflicts (2 of 4 stars). 2 submissions from 2 submitters: Uncertain significance (2). Last evaluated 2024-04-24.

Conditions:
Dilated cardiomyopathy 1DD (CMD1DD). Identifiers: Orphanet 154, MedGen C2750995, MONDO:0013168, OMIM 613172.

Submissions (2):

Labcorp Genetics (formerly Invitae), Labcorp
Classification: Uncertain significance for Dilated cardiomyopathy 1DD. Last evaluated: 2024-04-24. Review status: criteria provided, single submitter. Criteria: Invitae Variant Classification Sherloc (09022015). Collection method: clinical testing. Allele origin: germline.
Comment: This sequence change replaces asparagine, which is neutral and polar, with aspartic acid, which is acidic and polar, at codon 1189 of the RBM20 protein (p.Asn1189Asp). This variant is not present in population databases (gnomAD no frequency). This variant has not been reported in the literature in individuals affected with RBM20-related conditions. Advanced modeling of protein sequence and biophysical properties (such as structural, functional, and spatial information, amino acid conservation, physicochemical variation, residue mobility, and thermodynamic stability) performed at Invitae indicates that this missense variant is not expected to disrupt RBM20 protein function with a negative predictive value of 95%. In summary, the available evidence is currently insufficient to determine the role of this variant in disease. Therefore, it has been classified as a Variant of Uncertain Significance.

Mayo Clinic Laboratories, Mayo Clinic
Classification: Uncertain significance. Last evaluated: 2024-04-24. Review status: criteria provided, single submitter. Criteria: ACMG Guidelines, 2015. Collection method: clinical testing. Allele origin: germline. Observed: 1 variant allele.
Comment: PM2